The following is an entry in ClinVar:

ClinVar aggregate classification (germline): Benign. Review status: reviewed by expert panel (3 of 4 stars). 6 submissions from 6 submitters: Benign (1). 5 of the submissions do not count toward it. Last evaluated 2024-02-01.

Conditions:
Hereditary factor VIII deficiency disease (HEMA). Also called: AUTOSOMAL HEMOPHILIA A; HEM A; Factor 8 deficiency, congenital; Hemophilia A, congenital; HEMOPHILIA, CLASSIC; Hemophilia A. Identifiers: Orphanet 98878, MedGen C0019069, MONDO:0010602, OMIM 306700.

Allele frequency attached by ClinVar (database versions not stated): gnomAD exomes 0.00111 and 0.00311; ExAC 0.00370; gnomAD 0.01047 and 0.01123; 1000 Genomes Project 30x 0.01061; 1000 Genomes Project 0.01113; ESP Exome Variant Server 0.01250; TOPMed 0.01254.

Submissions (6):

ClinGen Coagulation Factor Deficiency Variant Curation Expert Panel, Clingen
Classification: Benign for Hereditary factor VIII deficiency disease. Last evaluated: 2024-02-01. Review status: reviewed by expert panel. Criteria: ClinGen CoagFactor ACMG Specifications F8 V1.0.0. Collection method: curation. Allele origin: germline. Inheritance: X-linked inheritance.
Comment: The c.1086G>A (p.Ala362=) variant is reported at an MAF of 0.03761 (713/18957 alleles) in the African/African-American population in gnomAD v2.1.1 with 201 hemizygotes, meeting BA1 criteria of MAF > 0.000333. SpliceAI predicts no impact on splicing with scores of 0, and the nucleotide is not conserved based on agreement between PhyloP (-2.25) and PhastCons (0) scores meeting BP4 and BP7. In summary, this variant meets criteria to be classified as benign. ACMG/AMP criteria applied, as specified by the Coagulation Factor Deficiency Variant Curation Expert Panel for F8/F9: BA1, BP4, BP7.

ARUP Laboratories, Molecular Genetics and Genomics, ARUP Laboratories
Classification: Benign. Last evaluated: 2023-06-29. Review status: criteria provided, single submitter. Criteria: ARUP Molecular Germline Variant Investigation Process 2024. Collection method: clinical testing. Allele origin: germline. Not counted in ClinVar's aggregate classification.

Mayo Clinic Laboratories, Mayo Clinic
Classification: Benign. Last evaluated: 2023-01-27. Review status: criteria provided, single submitter. Criteria: ACMG Guidelines, 2015. Collection method: clinical testing. Allele origin: germline. Observed: 4 variant alleles. Not counted in ClinVar's aggregate classification.
Comment: BS1, BS2, BP4, BP7

Labcorp Genetics (formerly Invitae), Labcorp
Classification: Benign. Last evaluated: 2019-12-31. Review status: criteria provided, single submitter. Criteria: Invitae Variant Classification Sherloc (09022015). Collection method: clinical testing. Allele origin: germline. Not counted in ClinVar's aggregate classification.

Illumina Laboratory Services, Illumina
Classification: Benign for Hereditary factor VIII deficiency disease. Last evaluated: 2018-01-13. Review status: criteria provided, single submitter. Criteria: ICSL Variant Classification Criteria 13 December 2019. Collection method: clinical testing. Allele origin: germline. Not counted in ClinVar's aggregate classification.
Comment: This variant was observed in the ICSL laboratory as part of a predisposition screen in an ostensibly healthy population. It had not been previously curated by ICSL or reported in the Human Gene Mutation Database (HGMD: prior to June 1st, 2018), and was therefore a candidate for classification through an automated scoring system. Utilizing variant allele frequency, disease prevalence and penetrance estimates, and inheritance mode, an automated score was calculated to assess if this variant is too frequent to cause the disease. Based on the score and internal cut-off values, a variant classified as benign is not then subjected to further curation. The score for this variant resulted in a classification of benign for this disease.

Breakthrough Genomics
Classification: Benign. Review status: criteria provided, single submitter. Criteria: ACMG Guidelines, 2015. Collection method: not provided. Allele origin: germline. Inheritance: X-linked inheritance. Affected: yes. Not counted in ClinVar's aggregate classification.

NM_000132.4(F8):c.1086G>A (p.Ala362=)

Gene: F8 (coagulation factor VIII; minus strand). Cytogenetic location: Xq28.
Variant type: single nucleotide variant.
Coding change: c.1086G>A on transcript NM_000132.4 (MANE Select); coding-DNA position 1086, G replaced by A.
Protein change: p.Ala362=; no amino-acid change (alanine 362 retained).
Molecular consequence: synonymous variant.
Genome position (GRCh38, 1-based): chrX:154,966,611, C>T on the plus strand (G>A on the coding strand, the complement: F8 is on the minus strand). VCF-style: chrX-154966611-C-T. GRCh37 (hg19) VCF-style: chrX-154194886-C-T.
Other names: NM_000132.3(F8):c.1086G>A; p.Ala362=.
Identifiers: ClinVar variation 368124 (VCV000368124.22), dbSNP rs1800289, ClinGen allele CA10568504.
Genomic context (GRCh38, chrX:154,966,611, plus strand): 5'-GTCATCATCAAACCTGACCACATCCATTTCAGAATCAGTAAGATCATCATCATAGTCTTC[C>T]GCTTCTTCATTATTTTTCATTCGTAGTTGGGGTTCCTCTGGACAGCTGTCTACTTTGACA-3'
Protein context (NP_000123.1, residues 352-372): PQLRMKNNEE[Ala362=]EDYDDDLTDS